The following is an entry in ClinVar:

NM_001242896.3(DEPDC5):c.1051A>G (p.Ile351Val)

Gene: DEPDC5 (DEP domain containing 5, GATOR1 subcomplex subunit; plus strand). Cytogenetic location: 22q12.3.
Variant type: single nucleotide variant.
Coding change: c.1051A>G on transcript NM_001242896.3 (MANE Select); coding-DNA position 1051, A replaced by G.
Protein change: p.Ile351Val; replaces isoleucine 351 with valine.
Molecular consequence: missense variant. On other transcripts: non-coding transcript variant (5).
Genome position (GRCh38, 1-based): chr22:31,802,808, A>G. VCF-style: chr22-31802808-A-G. GRCh37 (hg19) VCF-style: chr22-32198794-A-G.
Other names: c.1051A>G, p.Ile351Val (NM_001007188.4, NM_001136029.4, NM_001242897.2 and 7 more transcripts); c.967A>G, p.Ile323Val (NM_001369901.1, NM_001369902.1); short protein forms I323V, I351V.
Identifiers: ClinVar variation 3253375 (VCV003253375.2), dbSNP rs565074056.
Genomic context (GRCh38, chr22:31,802,808, plus strand): 5'-CAGATGTCAGTGGTGATCACGCCCGGGGTGGGTGTCTTTGAAGTGGACCGCCTACTCATG[A>G]TCCTGACCAAGCAGCGGATGATAGATAATGGTAATGCTCTCTGGTTTGTGCCCTGTCTCC-3'
Protein context (NP_001229825.1, residues 341-361): GVFEVDRLLM[Ile351Val]LTKQRMIDNG

ClinVar aggregate classification (germline): Uncertain significance (1 of 4 stars; one submission).

Allele frequency attached by ClinVar (database versions not stated): gnomAD 0.00001; 1000 Genomes Project 30x 0.00016; 1000 Genomes Project 0.00020.
gnomAD v4.1: 2 of 1,606,962 alleles (0.00012%); highest among the groups gnomAD compares: East Asian, 0.0022%; no homozygotes.

Submission:

GeneDx
Classification: Uncertain significance. Last evaluated: 2026-05-14. Review status: criteria provided, single submitter. Criteria: GeneDx Variant Classification Process June 2021. Collection method: clinical testing. Allele origin: germline.
Comment: Not observed at significant frequency in large population cohorts (gnomAD); In silico analysis suggests that this missense variant does not alter protein structure/function; Has not been previously published as pathogenic or benign to our knowledge